The following is an entry in ClinVar:

ClinVar aggregate classification (germline): Pathogenic. Review status: criteria provided, single submitter (1 of 4 stars). 2 submissions from 2 submitters: Pathogenic (1). 1 of the submissions does not count toward it. Last evaluated 2023-03-14.

Conditions:
Tuberous sclerosis syndrome (TSC). Also called: Tuberous Sclerosis Complex; Tuberous sclerosis. Identifiers: Orphanet 805, MedGen C0041341, MONDO:0001734.

Submissions (2):

GeneDx
Classification: Pathogenic. Last evaluated: 2023-03-14. Review status: criteria provided, single submitter. Criteria: GeneDx Variant Classification Process June 2021. Collection method: clinical testing. Allele origin: germline. Affected: yes.
Comment: Frameshift variant predicted to result in protein truncation or nonsense mediated decay in a gene for which loss of function is a known mechanism of disease; Not observed at significant frequency in large population cohorts (gnomAD); This variant is associated with the following publications: (PMID: 10533067)

Tuberous sclerosis database (TSC2)
No classification provided. Condition: TSC. Review status: no classification provided. Criteria: Tuberous Sclerosis Database Assertion Criteria 2015. Collection method: curation. Allele origin: germline. Affected: yes. Not counted in ClinVar's aggregate classification.

NM_000548.5(TSC2):c.2430dup (p.Cys811fs)

Gene: TSC2 (TSC complex subunit 2; plus strand). Cytogenetic location: 16p13.3.
Variant type: Duplication.
Coding change: c.2430dup on transcript NM_000548.5 (MANE Select); coding-DNA position 2430, one base duplicated (C; older notation c.2430dupC).
Protein change: p.Cys811fs; shifts the reading frame from cysteine 811.
Molecular consequence: frameshift variant.
Genome position (GRCh38, 1-based): chr16:2,074,274, C duplicated. VCF-style (leftmost placement, unchanged base first): chr16-2074273-T-TC. GRCh37 (hg19) VCF-style: chr16-2124274-T-TC.
Other names: c.2430dup, p.Cys811fs (NM_001077183.3, NM_001114382.3, NM_001363528.2 and 3 more transcripts); c.2319dup, p.Cys774fs (NM_001318827.2); c.2283dup, p.Cys762fs (NM_001318829.2); c.1830dup, p.Cys611fs (NM_001318831.2); c.2463dup, p.Cys822fs (NM_001318832.2); short protein forms C611fs, C762fs, C774fs, C811fs, C822fs.
Identifiers: ClinVar variation 49208 (VCV000049208.3), dbSNP rs137853997, ClinGen allele CA017417.
Genomic context (GRCh38, chr16:2,074,273, plus strand): 5'-ACTGCCTGGAGCAGGGCCTCATCCACCGCTGTGCCAGCCAGTGCGTCGTGGCCTTGTCCA[T>TC]CTGCAGCGTGGAGATGCCTGACATCATCATCAAGGCGCTGCCTGTTCTGGTGGTGAAGCT-3'